The following is an entry in ClinVar:

NM_000539.3(RHO):c.755G>C (p.Arg252Pro)

Gene: RHO (rhodopsin; plus strand). Cytogenetic location: 3q22.1.
Variant type: single nucleotide variant.
Coding change: c.755G>C on transcript NM_000539.3 (MANE Select); coding-DNA position 755, G replaced by C.
Protein change: p.Arg252Pro; replaces arginine 252 with proline.
Molecular consequence: missense variant.
Genome position (GRCh38, 1-based): chr3:129,532,591, G>C. VCF-style: chr3-129532591-G-C. GRCh37 (hg19) VCF-style: chr3-129251434-G-C.
Other names: short protein forms R252P.
Identifiers: ClinVar variation 624227 (VCV000624227.51), dbSNP rs765438313, ClinGen allele CA2607283.

ClinVar aggregate classification (germline): Conflicting classifications of pathogenicity. Review status: criteria provided, conflicting classifications (1 of 4 stars). 6 submissions from 6 submitters: Likely pathogenic (2); Uncertain significance (4). Last evaluated 2025-09-11.

Conditions:
Cone dystrophy 3 (COD3). Also called: RETINAL CONE DYSTROPHY. Identifiers: Orphanet 1872, MedGen C1865869, MONDO:0011193, OMIM 602093.
RHO-related disorder. Also called: RHO-related condition.
Retinal dystrophy. Also called: Inherited retinal dystrophy. Identifiers: Orphanet 71862, MedGen C0854723, MeSH D058499, MONDO:0019118, HP:0000556.

Allele frequency attached by ClinVar (database versions not stated): TOPMed 0.00007.
gnomAD v4.1: 142 of 1,614,062 alleles (0.0088%); highest among the groups gnomAD compares: Non-Finnish European, 0.011%; no homozygotes.

Submissions (6):

PreventionGenetics, part of Exact Sciences
Classification: Uncertain significance for RHO-related condition. Last evaluated: 2025-09-11. Review status: criteria provided, single submitter. Criteria: ACMG Guidelines, 2015. Collection method: clinical testing. Allele origin: germline.
Comment: The RHO c.755G>C variant is predicted to result in the amino acid substitution p.Arg252Pro. This variant has been reported in the heterozygous state in individuals with retinal disease (Grinberg et al. 2007. PubMed ID: 17936999; Schorderet et al. 2012. PubMed ID: 23484092; Table S1, Weisschuh et al. 2024. PubMed ID: 37734845; Trastulli et al. 2024. PubMed ID: 39336749). However, this variant is present in 0.019% of alleles in individuals of European (non-Finnish) descent in gnomAD, corresponding to 142 heterozygotes in gnomAD v4.1.0 (available only on GRCh38). A functional study using protein expression in cell culture found that this variant only slightly reduces cell surface expression of the protein and authors categorized it as "indeterminate" (Table S1, Wan. 2019. PubMed ID: 30977563). This variant is noted to be in a critical region for protein interaction, between amino acids 231 to 252 (Franke et al. 1992. PubMed ID: 1634520; Raqiboyevna et al. 2023. ISSN (E): 2993-2149). This variant has conflicting classifications listed in ClinVar ranging from uncertain to likely pathogenic (Variation ID: 624227). At this time, the clinical significance of this variant is uncertain due to the conflicting evidence.

Labcorp Genetics (formerly Invitae), Labcorp
Classification: Likely pathogenic. Last evaluated: 2024-11-13. Review status: criteria provided, single submitter. Criteria: Invitae Variant Classification Sherloc (09022015). Collection method: clinical testing. Allele origin: germline.
Comment: This sequence change replaces arginine, which is basic and polar, with proline, which is neutral and non-polar, at codon 252 of the RHO protein (p.Arg252Pro). This variant is present in population databases (rs765438313, gnomAD 0.02%). This missense change has been observed in individual(s) with autosomal dominant retinitis pigmentosa (PMID: 17936999, 23484092). It has also been observed to segregate with disease in related individuals. ClinVar contains an entry for this variant (Variation ID: 624227). Invitae Evidence Modeling of protein sequence and biophysical properties (such as structural, functional, and spatial information, amino acid conservation, physicochemical variation, residue mobility, and thermodynamic stability) indicates that this missense variant is expected to disrupt RHO protein function with a positive predictive value of 95%. Experimental studies are conflicting or provide insufficient evidence to determine the effect of this variant on RHO function (PMID: 30977563). In summary, the currently available evidence indicates that the variant is pathogenic, but additional data are needed to prove that conclusively. Therefore, this variant has been classified as Likely Pathogenic.

Blueprint Genetics
Classification: Uncertain significance. Last evaluated: 2024-11-04. Review status: criteria provided, single submitter. Criteria: ACMG Guidelines, 2015. Collection method: clinical testing. Allele origin: germline.

CeGaT Center for Human Genetics Tuebingen
Classification: Uncertain significance. Last evaluated: 2024-01-01. Review status: criteria provided, single submitter. Criteria: CeGaT Center For Human Genetics Tuebingen Variant Classification Criteria Version 2. Collection method: clinical testing. Allele origin: germline. Affected: yes. Observed: 2 variant alleles.
Comment: RHO: PM2, PM5

Centre for Genomic Medicine, Manchester, Central Manchester University Hospitals
Classification: Uncertain significance for Cone dystrophy 3. Last evaluated: 2020-09-01. Review status: criteria provided, single submitter. Criteria: ACMG Guidelines, 2015. Collection method: clinical testing. Allele origin: germline. Affected: yes. Observed: 1 heterozygote.

Institute of Human Genetics, Univ. Regensburg, Univ. Regensburg
Classification: Likely pathogenic for Retinal dystrophy. Last evaluated: 2012-01-01. Review status: criteria provided, single submitter. Criteria: ACMG Guidelines, 2015. Collection method: clinical testing. Allele origin: germline. Affected: yes.

Literature cited by the submitters: PubMed 17936999 (cited by Labcorp Genetics (formerly Invitae), Labcorp); PubMed 23484092 (cited by Labcorp Genetics (formerly Invitae), Labcorp and Institute of Human Genetics, Univ. Regensburg, Univ. Regensburg); PubMed 30977563 (cited by Labcorp Genetics (formerly Invitae), Labcorp and Institute of Human Genetics, Univ. Regensburg, Univ. Regensburg).